The following is an entry in ClinVar:

NM_001002295.2(GATA3):c.530G>A (p.Arg177Gln)

Gene: GATA3 (GATA binding protein 3; plus strand). Cytogenetic location: 10p14.
Variant type: single nucleotide variant.
Coding change: c.530G>A on transcript NM_001002295.2 (MANE Select); coding-DNA position 530, G replaced by A.
Protein change: p.Arg177Gln; replaces arginine 177 with glutamine.
Molecular consequence: missense variant.
Genome position (GRCh38, 1-based): chr10:8,058,593, G>A. VCF-style: chr10-8058593-G-A. GRCh37 (hg19) VCF-style: chr10-8100556-G-A.
Other names: c.530G>A, p.Arg177Gln (NM_002051.3); short protein forms R177Q.
Identifiers: ClinVar variation 1442428 (VCV001442428.8), dbSNP rs528856735, ClinGen allele CA5404392.
Genomic context (GRCh38, chr10:8,058,593, plus strand): 5'-CGCCGAAGGACGTCTCCCCGGACCCATCGCTGTCCACCCCAGGCTCGGCCGGCTCGGCCC[G>A]GCAGGACGAGAAAGAGTGCCTCAAGTACCAGGTGCCCCTGCCCGACAGCATGAAGCTGGA-3'
Protein context (NP_001002295.1, residues 167-187): LSTPGSAGSA[Arg177Gln]QDEKECLKYQ

ClinVar aggregate classification (germline): Uncertain significance (1 of 4 stars; one submission).

Allele frequency attached by ClinVar (database versions not stated): gnomAD exomes below 0.00001 and 0.00001; gnomAD 0.00001 and 0.00002; ExAC 0.00002; 1000 Genomes Project 30x 0.00016; 1000 Genomes Project 0.00020.
gnomAD v4.1: 4 of 1,610,798 alleles (0.00025%); highest among the groups gnomAD compares: African/African-American, 0.0013%; no homozygotes.

Submission:

Labcorp Genetics (formerly Invitae), Labcorp
Classification: Uncertain significance. Last evaluated: 2025-06-16. Review status: criteria provided, single submitter. Criteria: Invitae Variant Classification Sherloc (09022015). Collection method: clinical testing. Allele origin: germline.
Comment: This sequence change replaces arginine, which is basic and polar, with glutamine, which is neutral and polar, at codon 177 of the GATA3 protein (p.Arg177Gln). This variant is present in population databases (rs528856735, gnomAD 0.007%). This variant has not been reported in the literature in individuals affected with GATA3-related conditions. ClinVar contains an entry for this variant (Variation ID: 1442428). Invitae Evidence Modeling of protein sequence and biophysical properties (such as structural, functional, and spatial information, amino acid conservation, physicochemical variation, residue mobility, and thermodynamic stability) indicates that this missense variant is not expected to disrupt GATA3 protein function with a negative predictive value of 80%. In summary, the available evidence is currently insufficient to determine the role of this variant in disease. Therefore, it has been classified as a Variant of Uncertain Significance.